The following is an entry in ClinVar:

NM_002471.4(MYH6):c.1942A>G (p.Thr648Ala)

Gene: MYH6 (myosin heavy chain 6; minus strand). Cytogenetic location: 14q11.2.
Variant type: single nucleotide variant.
Coding change: c.1942A>G on transcript NM_002471.4 (MANE Select); coding-DNA position 1942, A replaced by G.
Protein change: p.Thr648Ala; replaces threonine 648 with alanine.
Molecular consequence: missense variant.
Genome position (GRCh38, 1-based): chr14:23,397,563, T>C on the plus strand (A>G on the coding strand, the complement: MYH6 is on the minus strand). VCF-style: chr14-23397563-T-C. GRCh37 (hg19) VCF-style: chr14-23866772-T-C.
Other names: short protein forms T648A.
Identifiers: ClinVar variation 3371168 (VCV003371168.1).
Genomic context (GRCh38, chr14:23,397,563, plus strand): 5'-CATTCCACCAGGTGTCCTGGCACCCCTGGGCCCTTCTTACCCGGTGGAGAGCCGACACCG[T>C]CTGGAAGGATGAGCCCTTTTTCTTGCCTCCTTTGCTTTTACCACTGTCCCCTAAACAGCG-3'
Protein context (NP_002462.2, residues 638-658): GGKKKGSSFQ[Thr648Ala]VSALHRENLN

ClinVar aggregate classification (germline): Uncertain significance (1 of 4 stars; one submission).

Submission:

GeneDx
Classification: Uncertain significance. Last evaluated: 2024-03-21. Review status: criteria provided, single submitter. Criteria: GeneDx Variant Classification Process June 2021. Collection method: clinical testing. Allele origin: germline. Affected: yes.
Comment: Not observed at significant frequency in large population cohorts (gnomAD); In silico analysis supports that this missense variant has a deleterious effect on protein structure/function; Has not been previously published as pathogenic or benign to our knowledge